The following is an entry in ClinVar:

NM_016343.4(CENPF):c.5140G>A (p.Ala1714Thr)

Gene: CENPF (centromere protein F; plus strand). Cytogenetic location: 1q41.
Variant type: single nucleotide variant.
Coding change: c.5140G>A on transcript NM_016343.4 (MANE Select); coding-DNA position 5140, G replaced by A.
Protein change: p.Ala1714Thr; replaces alanine 1714 with threonine.
Molecular consequence: missense variant.
Genome position (GRCh38, 1-based): chr1:214,644,710, G>A. VCF-style: chr1-214644710-G-A. GRCh37 (hg19) VCF-style: chr1-214818053-G-A.
Other names: short protein forms A1714T.
Identifiers: ClinVar variation 2414894 (VCV002414894.9), dbSNP rs749258546, ClinGen allele CA1390739.

ClinVar aggregate classification (germline): Uncertain significance. Review status: criteria provided, multiple submitters, no conflicts (2 of 4 stars). 2 submissions from 2 submitters: Uncertain significance (2). Last evaluated 2025-08-22.

Conditions:
Inborn genetic diseases. Identifiers: MedGen C0950123, MeSH D030342.

Allele frequency attached by ClinVar (database versions not stated): gnomAD exomes 0.00001; ExAC 0.00005; TOPMed 0.00011; gnomAD 0.00013.
gnomAD v4.1: 40 of 1,613,870 alleles (0.0025%); highest among the groups gnomAD compares: African/African-American, 0.047%; no homozygotes.

Submissions (2):

Ambry Genetics
Classification: Uncertain significance for Inborn genetic diseases. Last evaluated: 2025-08-22. Review status: criteria provided, single submitter. Criteria: Ambry Variant Classification Scheme 2023. Collection method: clinical testing. Allele origin: germline.

Labcorp Genetics (formerly Invitae), Labcorp
Classification: Uncertain significance. Last evaluated: 2023-09-15. Review status: criteria provided, single submitter. Criteria: Invitae Variant Classification Sherloc (09022015). Collection method: clinical testing. Allele origin: germline.
Comment: This variant is present in population databases (rs749258546, gnomAD 0.05%). This sequence change replaces alanine, which is neutral and non-polar, with threonine, which is neutral and polar, at codon 1714 of the CENPF protein (p.Ala1714Thr). This variant has not been reported in the literature in individuals affected with CENPF-related conditions. ClinVar contains an entry for this variant (Variation ID: 2414894). Algorithms developed to predict the effect of missense changes on protein structure and function output the following: SIFT: "Not Available"; PolyPhen-2: "Benign"; Align-GVGD: "Not Available". The threonine amino acid residue is found in multiple mammalian species, which suggests that this missense change does not adversely affect protein function. In summary, the available evidence is currently insufficient to determine the role of this variant in disease. Therefore, it has been classified as a Variant of Uncertain Significance.